The following is an entry in ClinVar:

ClinVar aggregate classification (germline): Uncertain significance. Review status: criteria provided, multiple submitters, no conflicts (2 of 4 stars). 3 submissions from 3 submitters: Uncertain significance (2). 1 of the submissions does not count toward it. Last evaluated 2022-11-03.

Conditions:
Cohen syndrome (COH1). Also called: PEPPER SYNDROME; Cutis verticis gyrata, retinitis pigmentosa, and sensorineural deafness. Identifiers: Orphanet 193, MedGen C0265223, MONDO:0008999, OMIM 216550.
VPS13B-related disorder. Also called: VPS13B-related condition.

Allele frequency attached by ClinVar (database versions not stated): gnomAD exomes 0.00001; TOPMed 0.00001; ExAC 0.00002.
gnomAD v4.1: 10 of 1,613,624 alleles (0.00062%); highest among the groups gnomAD compares: Admixed American, 0.0017%; no homozygotes.

Submissions (3):

Labcorp Genetics (formerly Invitae), Labcorp
Classification: Uncertain significance for Cohen syndrome. Last evaluated: 2022-11-03. Review status: criteria provided, single submitter. Criteria: Invitae Variant Classification Sherloc (09022015). Collection method: clinical testing. Allele origin: germline.
Comment: This sequence change replaces lysine, which is basic and polar, with arginine, which is basic and polar, at codon 2669 of the VPS13B protein (p.Lys2669Arg). This variant is present in population databases (rs760112876, gnomAD 0.002%). This variant has not been reported in the literature in individuals affected with VPS13B-related conditions. ClinVar contains an entry for this variant (Variation ID: 911573). Advanced modeling of protein sequence and biophysical properties (such as structural, functional, and spatial information, amino acid conservation, physicochemical variation, residue mobility, and thermodynamic stability) performed at Invitae indicates that this missense variant is not expected to disrupt VPS13B protein function. In summary, the available evidence is currently insufficient to determine the role of this variant in disease. Therefore, it has been classified as a Variant of Uncertain Significance.

Illumina Laboratory Services, Illumina
Classification: Uncertain significance for Cohen syndrome. Last evaluated: 2018-01-13. Review status: criteria provided, single submitter. Criteria: ICSL Variant Classification Criteria 13 December 2019. Collection method: clinical testing. Allele origin: germline.

PreventionGenetics, part of Exact Sciences
Classification: Uncertain significance for VPS13B-related condition. Last evaluated: 2024-08-21. Review status: no assertion criteria provided. Collection method: clinical testing. Allele origin: germline. Not counted in ClinVar's aggregate classification.
Comment: The VPS13B c.7931A>G variant is predicted to result in the amino acid substitution p.Lys2644Arg. To our knowledge, this variant has not been reported in the literature. This variant is reported in 0.0018% of alleles in individuals of European (Non-Finnish) descent in gnomAD. At this time, the clinical significance of this variant is uncertain due to the absence of conclusive functional and genetic evidence.

NM_152564.5(VPS13B):c.7931A>G (p.Lys2644Arg)

Gene: VPS13B (vacuolar protein sorting 13 homolog B; plus strand). Cytogenetic location: 8q22.2.
Variant type: single nucleotide variant.
Coding change: c.7931A>G on transcript NM_152564.5 (MANE Select); coding-DNA position 7931, A replaced by G.
Protein change: p.Lys2644Arg; replaces lysine 2644 with arginine.
Molecular consequence: missense variant.
Genome position (GRCh38, 1-based): chr8:99,784,466, A>G. VCF-style: chr8-99784466-A-G. GRCh37 (hg19) VCF-style: chr8-100796694-A-G.
Other names: c.8006A>G, p.Lys2669Arg (NM_017890.5); c.7931A>G (NM_152564.4); short protein forms K2669R, K2644R.
Identifiers: ClinVar variation 911573 (VCV000911573.7), dbSNP rs760112876, ClinGen allele CA4824327.
Genomic context (GRCh38, chr8:99,784,466, plus strand): 5'-CTGATGAAAATATTCTGCTGGCGAGTCTCCACAGTCACCAGTACAGCTGGCGCTCTCACA[A>G]ATCCCCACAGGTATTTGAGAAACACCCTTACAAACAGCCATTGTTAAGGTTGGGGATTCA-3'
Protein context (NP_689777.3, residues 2634-2654): HSHQYSWRSH[Lys2644Arg]SPQLLHICIE